The following is an entry in ClinVar:

NM_153212.3(GJB4):c.479G>A (p.Arg160His)

Gene: GJB4 (gap junction protein beta 4; plus strand). Cytogenetic location: 1p34.3.
Variant type: single nucleotide variant.
Coding change: c.479G>A on transcript NM_153212.3 (MANE Select); coding-DNA position 479, G replaced by A.
Protein change: p.Arg160His; replaces arginine 160 with histidine.
Molecular consequence: missense variant.
Genome position (GRCh38, 1-based): chr1:34,761,733, G>A. VCF-style: chr1-34761733-G-A. GRCh37 (hg19) VCF-style: chr1-35227334-G-A.
Other names: short protein forms R160H.
Identifiers: ClinVar variation 2136097 (VCV002136097.4), dbSNP rs539139170, ClinGen allele CA754598.

ClinVar aggregate classification (germline): Uncertain significance. Review status: criteria provided, multiple submitters, no conflicts (2 of 4 stars). 2 submissions from 2 submitters: Uncertain significance (2). Last evaluated 2025-08-28.

Conditions:
Inborn genetic diseases. Identifiers: MedGen C0950123, MeSH D030342.

Allele frequency attached by ClinVar (database versions not stated): TOPMed 0.00002; gnomAD 0.00004; ExAC 0.00015; 1000 Genomes Project 30x 0.00016; 1000 Genomes Project 0.00020.
gnomAD v4.1: 108 of 1,614,088 alleles (0.0067%); highest among the groups gnomAD compares: South Asian, 0.06%; 2 homozygotes.

Submissions (2):

Ambry Genetics
Classification: Uncertain significance for Inborn genetic diseases. Last evaluated: 2025-08-28. Review status: criteria provided, single submitter. Criteria: Ambry Variant Classification Scheme 2023. Collection method: clinical testing. Allele origin: germline.

GeneDx
Classification: Uncertain significance. Last evaluated: 2022-07-13. Review status: criteria provided, single submitter. Criteria: GeneDx Variant Classification Process June 2021. Collection method: clinical testing. Allele origin: germline. Affected: yes.
Comment: In silico analysis supports that this missense variant has a deleterious effect on protein structure/function; Has not been previously published as pathogenic or benign to our knowledge